The following is an entry in ClinVar:

NM_182931.3(KMT2E):c.2731G>T (p.Ala911Ser)

Gene: KMT2E (lysine methyltransferase 2E (inactive); plus strand). Cytogenetic location: 7q22.3.
Variant type: single nucleotide variant.
Coding change: c.2731G>T on transcript NM_182931.3 (MANE Select); coding-DNA position 2731, G replaced by T.
Protein change: p.Ala911Ser; replaces alanine 911 with serine.
Molecular consequence: missense variant.
Genome position (GRCh38, 1-based): chr7:105,106,656, G>T. VCF-style: chr7-105106656-G-T. GRCh37 (hg19) VCF-style: chr7-104747103-G-T.
Other names: c.2731G>T, p.Ala911Ser (NM_001410908.1, NM_018682.4); short protein forms A911S.
Identifiers: ClinVar variation 4743410 (VCV004743410.1).

ClinVar aggregate classification (germline): Uncertain significance (1 of 4 stars; one submission).

Submission:

Labcorp Genetics (formerly Invitae), Labcorp
Classification: Uncertain significance. Last evaluated: 2025-03-23. Review status: criteria provided, single submitter. Criteria: Invitae Variant Classification Sherloc (09022015). Collection method: clinical testing. Allele origin: germline.
Comment: This sequence change replaces alanine, which is neutral and non-polar, with serine, which is neutral and polar, at codon 911 of the KMT2E protein (p.Ala911Ser). This variant is not present in population databases (gnomAD no frequency). This variant has not been reported in the literature in individuals affected with KMT2E-related conditions. Invitae Evidence Modeling of protein sequence and biophysical properties (such as structural, functional, and spatial information, amino acid conservation, physicochemical variation, residue mobility, and thermodynamic stability) indicates that this missense variant is not expected to disrupt KMT2E protein function with a negative predictive value of 80%. In summary, the available evidence is currently insufficient to determine the role of this variant in disease. Therefore, it has been classified as a Variant of Uncertain Significance.